The following is an entry in ClinVar:

NM_004068.4(AP2M1):c.-8C>T

Genes: AP2M1 (adaptor related protein complex 2 subunit mu 1; plus strand), LOC123453202 (Sharpr-MPRA regulatory region 464; plus strand). Cytogenetic location: 3q27.1.
Variant type: single nucleotide variant.
Coding change: c.-8C>T on transcript NM_004068.4 (MANE Select); 8 bases upstream of the start codon, C replaced by T.
Molecular consequence: 5 prime UTR variant.
Genome position (GRCh38, 1-based): chr3:184,176,986, C>T. VCF-style: chr3-184176986-C-T. GRCh37 (hg19) VCF-style: chr3-183894774-C-T.
Other names: c.-8C>T (NM_001025205.2, NM_001311198.2).
Identifiers: ClinVar variation 4979414 (VCV004979414.1).

ClinVar aggregate classification (germline): Likely benign (1 of 4 stars; one submission).

Conditions:
AP2M1-related disorder. Also called: AP2M1-related condition.

gnomAD v4.1: 128 of 1,613,550 alleles (0.0079%); highest among the groups gnomAD compares: Non-Finnish European, 0.01%; no homozygotes.

Submission:

PreventionGenetics, part of Exact Sciences
Classification: Likely benign for AP2M1-related condition. Last evaluated: 2026-07-07. Review status: criteria provided, single submitter. Criteria: ACMG Guidelines, 2015. Collection method: clinical testing. Allele origin: germline.
Comment: This variant is classified as likely benign based on ACMG/AMP sequence variant interpretation guidelines (Richards et al. 2015 PMID: 25741868, with internal and published modifications).